The following is an entry in ClinVar:

ClinVar aggregate classification (germline): Uncertain significance. Review status: criteria provided, multiple submitters, no conflicts (2 of 4 stars). 3 submissions from 3 submitters: Uncertain significance (2). 1 of the submissions does not count toward it. Last evaluated 2025-08-29.

Conditions:
Autosomal recessive limb-girdle muscular dystrophy type 2O. Also called: MUSCULAR DYSTROPHY-DYSTROGLYCANOPATHY (LIMB-GIRDLE), TYPE C, 3; MUSCULAR DYSTROPHY-DYSTROGLYCANOPATHY, LIMB-GIRDLE, POMGNT1-RELATED; Limb-Girdle Muscular Dystrophy Type 3C. Identifiers: Orphanet 206564, MedGen C3150417, MONDO:0013161, OMIM 613157.
Muscular dystrophy-dystroglycanopathy (congenital with impaired intellectual development), type B, 3. Also called: Muscular dystrophy-dystroglycanopathy (congenital with intellectual disability), type B3; MUSCULAR DYSTROPHY, CONGENITAL, POMGNT1-RELATED. Identifiers: MedGen C3150412, MONDO:0013155, OMIM 613151.
Inborn genetic diseases. Identifiers: MedGen C0950123, MeSH D030342.
Muscle eye brain disease (MEB). Also called: Santavuori congenital muscular dystrophy. Identifiers: Orphanet 588, Orphanet 899, MedGen C0457133, MONDO:0018939.

Allele frequency attached by ClinVar (database versions not stated): ExAC 0.00002; TOPMed 0.00001; gnomAD exomes 0.00001.

Submissions (3):

Ambry Genetics
Classification: Uncertain significance for Inborn genetic diseases. Last evaluated: 2025-08-29. Review status: criteria provided, single submitter. Criteria: Ambry Variant Classification Scheme 2023. Collection method: clinical testing. Allele origin: germline.

Labcorp Genetics (formerly Invitae), Labcorp
Classification: Uncertain significance for Autosomal recessive limb-girdle muscular dystrophy type 2O; Muscular dystrophy-dystroglycanopathy (congenital with impaired intellectual development), type B, 3. Last evaluated: 2022-06-04. Review status: criteria provided, single submitter. Criteria: Invitae Variant Classification Sherloc (09022015). Collection method: clinical testing. Allele origin: germline.
Comment: This sequence change replaces threonine, which is neutral and polar, with alanine, which is neutral and non-polar, at codon 61 of the POMGNT1 protein (p.Thr61Ala). This variant is present in population databases (rs768245322, gnomAD 0.003%). This variant has not been reported in the literature in individuals affected with POMGNT1-related conditions. ClinVar contains an entry for this variant (Variation ID: 962773). Advanced modeling of protein sequence and biophysical properties (such as structural, functional, and spatial information, amino acid conservation, physicochemical variation, residue mobility, and thermodynamic stability) performed at Invitae indicates that this missense variant is not expected to disrupt POMGNT1 protein function. In summary, the available evidence is currently insufficient to determine the role of this variant in disease. Therefore, it has been classified as a Variant of Uncertain Significance.

Natera, Inc.
Classification: Uncertain significance for Muscle-eye-brain disease. Last evaluated: 2021-07-15. Review status: no assertion criteria provided. Collection method: clinical testing. Allele origin: germline. Not counted in ClinVar's aggregate classification.

NM_017739.4(POMGNT1):c.181A>G (p.Thr61Ala)

Gene: POMGNT1 (protein O-linked mannose N-acetylglucosaminyltransferase 1 (beta 1,2-); minus strand). Cytogenetic location: 1p34.1.
Variant type: single nucleotide variant.
Coding change: c.181A>G on transcript NM_017739.4 (MANE Select); coding-DNA position 181, A replaced by G.
Protein change: p.Thr61Ala; replaces threonine 61 with alanine.
Molecular consequence: missense variant. On other transcripts: 5 prime UTR variant (1).
Genome position (GRCh38, 1-based): chr1:46,197,024, T>C on the plus strand (A>G on the coding strand, the complement: POMGNT1 is on the minus strand). VCF-style: chr1-46197024-T-C. GRCh37 (hg19) VCF-style: chr1-46662696-T-C.
Other names: c.181A>G, p.Thr61Ala (NM_001243766.2, NM_001410783.1); c.115A>G, p.Thr39Ala (NM_001290129.3); c.-249A>G (NM_001290130.2); short protein forms T39A, T61A.
Identifiers: ClinVar variation 962773 (VCV000962773.8), dbSNP rs768245322, ClinGen allele CA833835.